The following is an entry in ClinVar:

ClinVar aggregate classification (germline): Pathogenic (1 of 4 stars; one submission).

Submission:

Labcorp Genetics (formerly Invitae), Labcorp
Classification: Pathogenic. Last evaluated: 2024-02-06. Review status: criteria provided, single submitter. Criteria: Invitae Variant Classification Sherloc (09022015). Collection method: clinical testing. Allele origin: germline.
Comment: This sequence change creates a premature translational stop signal (p.Leu677Glnfs*46) in the ABCA12 gene. It is expected to result in an absent or disrupted protein product. Loss-of-function variants in ABCA12 are known to be pathogenic (PMID: 20672373). This variant is not present in population databases (gnomAD no frequency). This variant has not been reported in the literature in individuals affected with ABCA12-related conditions. For these reasons, this variant has been classified as Pathogenic.

Literature cited by the submitters: PubMed 20672373.

NM_173076.3(ABCA12):c.2030_2031del (p.Leu677fs)

Gene: ABCA12 (ATP binding cassette subfamily A member 12; minus strand). Cytogenetic location: 2q35.
Variant type: Microsatellite.
Coding change: c.2030_2031del on transcript NM_173076.3 (MANE Select); coding-DNA positions 2030 to 2031, 2 bases deleted (TC; older notation c.2030_2031delTC).
Protein change: p.Leu677fs; shifts the reading frame from leucine 677.
Molecular consequence: frameshift variant. On other transcripts: non-coding transcript variant (1).
Genome position (GRCh38, 1-based): chr2:215,012,061-215,012,062, GA deleted on the plus strand (TC on the coding strand, the reverse complement: ABCA12 is on the minus strand); deleting any 2 consecutive bases within chr2:215,012,061-215,012,064 gives the same sequence; the c. name uses the placement nearest the transcript's 3' end. VCF-style (leftmost placement, unchanged base first): chr2-215012060-TGA-T. GRCh37 (hg19) VCF-style: chr2-215876784-TGA-T.
Other names: c.1076_1077del, p.Leu359fs (NM_015657.4); short protein forms L359fs, L677fs.
Identifiers: ClinVar variation 3639073 (VCV003639073.2).